The following is an entry in ClinVar:

ClinVar aggregate classification (germline): Uncertain significance (1 of 4 stars; one submission).

Submission:

Dasa
Classification: Uncertain significance. Last evaluated: 2025-07-26. Review status: criteria provided, single submitter. Criteria: DASA Assertion Criteria. Collection method: clinical testing. Allele origin: germline.
Comment: NM_001197104.2(KMT2A):c.6167G>A (p.Arg2056Lys) is a missense variant that results in the substitution of arginine with lysine. This variant is absent from population databases. Computational prediction algorithms are consistent with a deleterious effect. The currently available literature and clinical evidence are not sufficient to establish a definitive association between this variant and the reported condition. Therefore, this variant is classified as a variant of uncertain significance.

NM_001197104.2(KMT2A):c.6167G>A (p.Arg2056Lys)

Gene: KMT2A (lysine methyltransferase 2A; plus strand). Cytogenetic location: 11q23.3.
Variant type: single nucleotide variant.
Coding change: c.6167G>A on transcript NM_001197104.2 (MANE Select); coding-DNA position 6167, G replaced by A.
Protein change: p.Arg2056Lys; replaces arginine 2056 with lysine.
Molecular consequence: missense variant.
Genome position (GRCh38, 1-based): chr11:118,500,995, G>A. VCF-style: chr11-118500995-G-A. GRCh37 (hg19) VCF-style: chr11-118371710-G-A.
Other names: c.6257G>A, p.Arg2086Lys (NM_001412597.1); c.6158G>A, p.Arg2053Lys (NM_005933.4); short protein forms R2053K, R2056K, R2086K.
Identifiers: ClinVar variation 5020907 (VCV005020907.1).